The following is an entry in ClinVar:

ClinVar aggregate classification (germline): Uncertain significance (1 of 4 stars; one submission).

Conditions:
Mucopolysaccharidosis, MPS-IV-A (MPS4A). Also called: Morquio syndrome A, mild; MORQUIO SYNDROME A; GALACTOSAMINE-6-SULFATASE DEFICIENCY; GALNS DEFICIENCY; MORQUIO A DISEASE; Mucopolysaccharidosis type IV A. Identifiers: Orphanet 309297, Orphanet 582, MedGen C0086651, MONDO:0009659, OMIM 253000.

gnomAD v4.1: 1 of 1,613,318 alleles (0.000062%); highest among the groups gnomAD compares: African/African-American, 0.0013%; no homozygotes.

Submission:

Labcorp Genetics (formerly Invitae), Labcorp
Classification: Uncertain significance for Mucopolysaccharidosis, MPS-IV-A. Last evaluated: 2025-12-21. Review status: criteria provided, single submitter. Criteria: Invitae Variant Classification Sherloc (09022015). Collection method: clinical testing. Allele origin: germline.
Comment: This sequence change replaces arginine, which is basic and polar, with glycine, which is neutral and non-polar, at codon 54 of the GALNS protein (p.Arg54Gly). This variant is not present in population databases (gnomAD no frequency). This variant has not been reported in the literature in individuals affected with GALNS-related conditions. Invitae Evidence Modeling of protein sequence and biophysical properties (such as structural, functional, and spatial information, amino acid conservation, physicochemical variation, residue mobility, and thermodynamic stability) has been performed for this missense variant. However, the output from this modeling did not meet the statistical confidence thresholds required to predict the impact of this variant on GALNS protein function. In summary, the available evidence is currently insufficient to determine the role of this variant in disease. Therefore, it has been classified as a Variant of Uncertain Significance.

NM_000512.5(GALNS):c.160A>G (p.Arg54Gly)

Gene: GALNS (galactosamine (N-acetyl)-6-sulfatase; minus strand). Cytogenetic location: 16q24.3.
Variant type: single nucleotide variant.
Coding change: c.160A>G on transcript NM_000512.5 (MANE Select); coding-DNA position 160, A replaced by G.
Protein change: p.Arg54Gly; replaces arginine 54 with glycine.
Molecular consequence: missense variant. On other transcripts: intron variant (1).
Genome position (GRCh38, 1-based): chr16:88,842,790, T>C on the plus strand (A>G on the coding strand, the complement: GALNS is on the minus strand). VCF-style: chr16-88842790-T-C. GRCh37 (hg19) VCF-style: chr16-88909198-T-C.
Other names: c.178A>G, p.Arg60Gly (NM_001323544.2); c.-311-819A>G (NM_001323543.2); short protein forms R54G, R60G.
Identifiers: ClinVar variation 4699379 (VCV004699379.1).